The following is an entry in ClinVar:

NM_032656.4(DHX37):c.1854G>A (p.Val618=)

Gene: DHX37 (DEAH-box helicase 37; minus strand). Cytogenetic location: 12q24.31.
Variant type: single nucleotide variant.
Coding change: c.1854G>A on transcript NM_032656.4 (MANE Select); coding-DNA position 1854, G replaced by A.
Protein change: p.Val618=; no amino-acid change (valine 618 retained).
Molecular consequence: synonymous variant.
Genome position (GRCh38, 1-based): chr12:124,964,585, C>T on the plus strand (G>A on the coding strand, the complement: DHX37 is on the minus strand). VCF-style: chr12-124964585-C-T. GRCh37 (hg19) VCF-style: chr12-125449131-C-T.
Identifiers: ClinVar variation 4991275 (VCV004991275.1).

ClinVar aggregate classification (germline): Uncertain significance (1 of 4 stars; one submission).

Conditions:
DHX37-related disorder. Also called: DHX37-related condition; DHX37-Related Disorders.

gnomAD v4.1: 1 of 1,613,378 alleles (0.000062%); highest among the groups gnomAD compares: Admixed American, 0.0017%; no homozygotes.

Submission:

PreventionGenetics, part of Exact Sciences
Classification: Uncertain significance for DHX37-related condition. Last evaluated: 2026-09-04. Review status: criteria provided, single submitter. Criteria: ACMG Guidelines, 2015. Collection method: clinical testing. Allele origin: germline.
Comment: The DHX37 c.1854G>A variant is not predicted to result in an amino acid change (p.=). This variant is predicted to alter splicing based on available splicing prediction programs (SpliceAI, Jaganathan et al. 2019. PubMed ID: 30661751). However, the use of computer prediction programs is not equivalent to functional evidence. To our knowledge, this variant has not been reported in the literature or in a large population database (gnomAD), indicating this variant is rare. At this time, the clinical significance of this variant is uncertain due to the absence of conclusive functional and genetic evidence.